The following is an entry in ClinVar:

NM_033305.3(VPS13A):c.7486C>T (p.Gln2496Ter)

Gene: VPS13A (vacuolar protein sorting 13 homolog A; plus strand). Cytogenetic location: 9q21.2.
Variant type: single nucleotide variant.
Coding change: c.7486C>T on transcript NM_033305.3 (MANE Select); coding-DNA position 7486, C replaced by T.
Protein change: p.Gln2496Ter; replaces glutamine 2496 with a stop codon.
Molecular consequence: nonsense.
Genome position (GRCh38, 1-based): chr9:77,353,475, C>T. VCF-style: chr9-77353475-C-T. GRCh37 (hg19) VCF-style: chr9-79968391-C-T.
Other names: c.7486C>T, p.Gln2496Ter (NM_015186.4, NM_001018038.3); c.7486C>T (NM_033305.2); c.7369C>T, p.Gln2457Ter (NM_001018037.2); short protein forms Q2457*, Q2496*.
Identifiers: ClinVar variation 1068735 (VCV001068735.9), dbSNP rs1191270963, ClinGen allele CA373855862.
Genomic context (GRCh38, chr9:77,353,475, plus strand): 5'-ATGATGCCTATAGATTTGGGGGAAAAGACAATATATTTAGTTTCATTCTTTGAAGGTTTA[C>T]AACGCATTATTTTATTCACTGAAGATCCAAGGGTATTTAAAGTAACATATGAAAGTGAGA-3'

ClinVar aggregate classification (germline): Pathogenic/Likely pathogenic. Review status: criteria provided, multiple submitters, no conflicts (2 of 4 stars). 2 submissions from 2 submitters: Pathogenic (1); Likely pathogenic (1). Last evaluated 2025-06-30.

Conditions:
VPS13A-related neurodegenerative disease. Also called: VPS13A Disease; LEVINE-CRITCHLEY SYNDROME; Choreoacanthocytosis; Choreaacanthocytosis; ACANTHOCYTOSIS WITH NEUROLOGIC DISORDER; Chorea-acanthocytosis. Identifiers: Orphanet 2388, MedGen C0393576, MONDO:0008695, OMIM 200150.

Allele frequency attached by ClinVar (database versions not stated): gnomAD exomes below 0.00001.
gnomAD v4.1: 3 of 1,604,232 alleles (0.00019%); highest among the groups gnomAD compares: Non-Finnish European, 0.00026%; no homozygotes.

Submissions (2):

Natera, Inc.
Classification: Likely pathogenic for Choreaacanthocytosis. Last evaluated: 2025-06-30. Review status: criteria provided, single submitter. Criteria: Natera Variant Classification Schema (03/2026). Collection method: clinical testing. Allele origin: germline.
Comment: The c.7486C>T variant in VPS13A is a nonsense variant predicted to introduce a stop codon at amino acid 2496. This variant is expected to result in nonsense mediated decay, truncation, or a dysfunctional protein product. This variant is rare in the general population with a frequency below the threshold expected for the associated phenotype(s). Given the available evidence, this variant is classified as Likely Pathogenic.

Labcorp Genetics (formerly Invitae), Labcorp
Classification: Pathogenic. Last evaluated: 2022-11-15. Review status: criteria provided, single submitter. Criteria: Invitae Variant Classification Sherloc (09022015). Collection method: clinical testing. Allele origin: germline.
Comment: For these reasons, this variant has been classified as Pathogenic. Algorithms developed to predict the effect of sequence changes on RNA splicing suggest that this variant may disrupt the consensus splice site. ClinVar contains an entry for this variant (Variation ID: 1068735). This variant has not been reported in the literature in individuals affected with VPS13A-related conditions. This variant is present in population databases (no rsID available, gnomAD 0.0009%). This sequence change creates a premature translational stop signal (p.Gln2496*) in the VPS13A gene. It is expected to result in an absent or disrupted protein product. Loss-of-function variants in VPS13A are known to be pathogenic (PMID: 12404112, 21598378).

Literature cited by the submitters: PubMed 12404112 (cited by Labcorp Genetics (formerly Invitae), Labcorp); PubMed 21598378 (cited by Labcorp Genetics (formerly Invitae), Labcorp).